The following is an entry in ClinVar:

NM_020975.6(RET):c.3260T>C (p.Phe1087Ser)

Gene: RET (ret proto-oncogene; plus strand). Cytogenetic location: 10q11.21.
Variant type: single nucleotide variant.
Coding change: c.3260T>C on transcript NM_020975.6 (MANE Select); coding-DNA position 3260, T replaced by C.
Protein change: p.Phe1087Ser; replaces phenylalanine 1087 with serine.
Molecular consequence: missense variant. On other transcripts: 3 prime UTR variant (18), intron variant (3).
Genome position (GRCh38, 1-based): chr10:43,128,184, T>C. VCF-style: chr10-43128184-T-C. GRCh37 (hg19) VCF-style: chr10-43623632-T-C.
Other names: c.*1430T>C (NM_001355216.2, NM_001406764.1, NM_001406765.1 and 15 more transcripts); c.3260T>C, p.Phe1087Ser (NM_001406743.1); c.3200T>C, p.Phe1067Ser (NM_001406759.1, NM_001406760.1); c.3131T>C, p.Phe1044Ser (NM_001406761.1, NM_001406762.1); c.3125T>C, p.Phe1042Ser (NM_001406763.1); c.2972T>C, p.Phe991Ser (NM_001406766.1, NM_001406767.1); c.2864T>C, p.Phe955Ser (NM_001406769.1); c.2822T>C, p.Phe941Ser (NM_001406771.1); and 10 more; short protein forms F1042S, F745S, F1067S, F1087S, F604S, F692S, F955S, F584S.
Identifiers: ClinVar variation 3788336 (VCV003788336.1).
Genomic context (GRCh38, chr10:43,128,184, plus strand): 5'-CGAACTGGCCTGGAGAGAGTCCTGTACCACTCACGAGAGCTGATGGCACTAACACTGGGT[T>C]TCCAAGATATCCAAATGATAGTGTATATGCTAACTGGATGCTTTCACCCTCAGCGGCAAA-3'
Protein context (NP_066124.1, residues 1077-1097): LTRADGTNTG[Phe1087Ser]PRYPNDSVYA

ClinVar aggregate classification (germline): Uncertain significance (1 of 4 stars; one submission).

Conditions:
Hereditary cancer-predisposing syndrome. Also called: Neoplastic Syndromes, Hereditary; Hereditary Cancer Syndrome; Tumor predisposition; Hereditary neoplastic syndrome. Identifiers: Orphanet 140162, MedGen C0027672, MeSH D009386, MONDO:0015356.

Submission:

Ambry Genetics
Classification: Uncertain significance for Hereditary cancer-predisposing syndrome. Last evaluated: 2025-02-03. Review status: criteria provided, single submitter. Criteria: Ambry Variant Classification Scheme 2023. Collection method: clinical testing. Allele origin: germline.
Comment: The p.F1087S variant (also known as c.3260T>C), located in coding exon 20 of the RET gene, results from a T to C substitution at nucleotide position 3260. The phenylalanine at codon 1087 is replaced by serine, an amino acid with highly dissimilar properties. This amino acid position is conserved. In addition, the in silico prediction for this alteration is inconclusive. Based on the available evidence, the clinical significance of this variant remains unclear.